The following is an entry in ClinVar:

ClinVar aggregate classification (germline): Conflicting classifications of pathogenicity. Review status: criteria provided, conflicting classifications (1 of 4 stars). 2 submissions from 2 submitters: Uncertain significance (1); Likely benign (1). Last evaluated 2025-10-01.

gnomAD v4.1: 96 of 1,611,202 alleles (0.006%); highest among the groups gnomAD compares: South Asian, 0.021%; 2 homozygotes.

Submissions (2):

CeGaT Center for Human Genetics Tuebingen
Classification: Likely benign. Last evaluated: 2025-10-01. Review status: criteria provided, single submitter. Criteria: CeGaT Center For Human Genetics Tuebingen Variant Classification Criteria Version 2. Collection method: clinical testing. Allele origin: germline. Affected: yes. Observed: 1 variant allele.
Comment: SIN3B: BP4, BS2

Ambry Genetics
Classification: Uncertain significance. Last evaluated: 2025-04-03. Review status: criteria provided, single submitter. Criteria: Ambry Variant Classification Scheme 2023. Collection method: clinical testing. Allele origin: germline.

NM_001297595.2(SIN3B):c.3358C>T (p.Arg1120Cys)

Gene: SIN3B (SIN3 transcription regulator family member B; plus strand). Cytogenetic location: 19p13.11.
Variant type: single nucleotide variant.
Coding change: c.3358C>T on transcript NM_001297595.2 (MANE Select); coding-DNA position 3358, C replaced by T.
Protein change: p.Arg1120Cys; replaces arginine 1120 with cysteine.
Molecular consequence: missense variant.
Genome position (GRCh38, 1-based): chr19:16,878,692, C>T. VCF-style: chr19-16878692-C-T. GRCh37 (hg19) VCF-style: chr19-16989503-C-T.
Other names: c.2128C>T, p.Arg710Cys (NM_001297597.2); c.3454C>T, p.Arg1152Cys (NM_015260.4); short protein forms R1120C, R710C, R1152C.
Identifiers: ClinVar variation 3954608 (VCV003954608.7).